The following is an entry in ClinVar:

ClinVar aggregate classification (germline): Uncertain significance (1 of 4 stars; one submission).

Conditions:
Deficiency of butyryl-CoA dehydrogenase (ACADSD). Also called: ACADS DEFICIENCY; SCAD Deficiency; Short-Chain Acyl-CoA Dehydrogenase Deficiency; SCAD DEFICIENCY, MILD; ACYL-CoA DEHYDROGENASE, SHORT-CHAIN, DEFICIENCY OF; SCADH DEFICIENCY. Identifiers: Orphanet 26792, MedGen C0342783, MONDO:0008722, OMIM 201470. Disease mechanism: May be benign.

Allele frequency attached by ClinVar (database versions not stated): gnomAD exomes 0.00001; TOPMed 0.00001.
gnomAD v4.1: 8 of 1,602,608 alleles (0.0005%); highest among the groups gnomAD compares: Admixed American, 0.0017%; no homozygotes.

Submission:

Labcorp Genetics (formerly Invitae), Labcorp
Classification: Uncertain significance for Deficiency of butyryl-CoA dehydrogenase. Last evaluated: 2023-09-17. Review status: criteria provided, single submitter. Criteria: Invitae Variant Classification Sherloc (09022015). Collection method: clinical testing. Allele origin: germline.
Comment: In summary, the available evidence is currently insufficient to determine the role of this variant in disease. Therefore, it has been classified as a Variant of Uncertain Significance. This variant is not present in population databases (gnomAD no frequency). This sequence change replaces alanine, which is neutral and non-polar, with threonine, which is neutral and polar, at codon 101 of the ACADS protein (p.Ala101Thr). This variant has not been reported in the literature in individuals affected with ACADS-related conditions. Advanced modeling of protein sequence and biophysical properties (such as structural, functional, and spatial information, amino acid conservation, physicochemical variation, residue mobility, and thermodynamic stability) performed at Invitae indicates that this missense variant is expected to disrupt ACADS protein function.

NM_000017.4(ACADS):c.301G>A (p.Ala101Thr)

Gene: ACADS (acyl-CoA dehydrogenase short chain; plus strand). Cytogenetic location: 12q24.31.
Variant type: single nucleotide variant.
Coding change: c.301G>A on transcript NM_000017.4 (MANE Select); coding-DNA position 301, G replaced by A.
Protein change: p.Ala101Thr; replaces alanine 101 with threonine.
Molecular consequence: missense variant.
Genome position (GRCh38, 1-based): chr12:120,737,076, G>A. VCF-style: chr12-120737076-G-A. GRCh37 (hg19) VCF-style: chr12-121174879-G-A.
Other names: c.301G>A, p.Ala101Thr (NM_001302554.2); short protein forms A101T.
Identifiers: ClinVar variation 2885581 (VCV002885581.3), dbSNP rs1883468810, ClinGen allele CA386614106.